The following is an entry in ClinVar:

NM_025144.4(ALPK1):c.3462_3497del (p.Thr1155_Tyr1166del)

Gene: ALPK1 (alpha kinase 1; plus strand). Cytogenetic location: 4q25.
Variant type: Deletion.
Coding change: c.3462_3497del on transcript NM_025144.4 (MANE Select); coding-DNA positions 3462 to 3497, 36 bases deleted.
Protein change: p.Thr1155_Tyr1166del.
Molecular consequence: inframe deletion.
Genome position (GRCh38, 1-based): chr4:112,439,796-112,439,831, 36 bases deleted. GRCh37 (hg19): chr4:113,360,952-113,360,987.
Other names: c.3462_3497del, p.Thr1155_Tyr1166del (NM_001102406.2); c.3228_3263del, p.Thr1077_Tyr1088del (NM_001253884.2).
Identifiers: ClinVar variation 2103171 (VCV002103171.4), dbSNP rs775398325, ClinGen allele CA3047193.

ClinVar aggregate classification (germline): Uncertain significance (1 of 4 stars; one submission).

Allele frequency attached by ClinVar (database versions not stated): gnomAD 0.00001; TOPMed 0.00001; gnomAD exomes 0.00002; ExAC 0.00007.

Submission:

Labcorp Genetics (formerly Invitae), Labcorp
Classification: Uncertain significance. Last evaluated: 2024-10-14. Review status: criteria provided, single submitter. Criteria: Invitae Variant Classification Sherloc (09022015). Collection method: clinical testing. Allele origin: germline.
Comment: This variant, c.3462_3497del, results in the deletion of 12 amino acid(s) of the ALPK1 protein (p.Thr1155_Tyr1166del), but otherwise preserves the integrity of the reading frame. This variant is present in population databases (rs775398325, gnomAD 0.03%). This variant has not been reported in the literature in individuals affected with ALPK1-related conditions. ClinVar contains an entry for this variant (Variation ID: 2103171). Experimental studies and prediction algorithms are not available or were not evaluated, and the functional significance of this variant is currently unknown. In summary, the available evidence is currently insufficient to determine the role of this variant in disease. Therefore, it has been classified as a Variant of Uncertain Significance.